The following is an entry in ClinVar:

ClinVar aggregate classification (germline): Pathogenic/Likely pathogenic. Review status: criteria provided, multiple submitters, no conflicts (2 of 4 stars). 2 submissions from 2 submitters: Pathogenic (1); Likely pathogenic (1). Last evaluated 2025-08-07.

Conditions:
Baller-Gerold syndrome (BGS). Also called: CRANIOSYNOSTOSIS WITH RADIAL DEFECTS. Identifiers: Orphanet 1225, MedGen C0265308, MONDO:0009039, OMIM 218600.

Allele frequency attached by ClinVar (database versions not stated): gnomAD exomes 0.00001; ExAC 0.00002; TOPMed 0.00002; gnomAD 0.00003; ESP Exome Variant Server 0.00008.
gnomAD v4.1: 7 of 1,612,552 alleles (0.00043%); highest among the groups gnomAD compares: African/African-American, 0.008%; no homozygotes.

Submissions (2):

Labcorp Genetics (formerly Invitae), Labcorp
Classification: Likely pathogenic for Baller-Gerold syndrome. Last evaluated: 2025-08-07. Review status: criteria provided, single submitter. Criteria: Invitae Variant Classification Sherloc (09022015). Collection method: clinical testing. Allele origin: germline.
Comment: This sequence change affects an acceptor splice site in intron 6 of the RECQL4 gene. It is expected to disrupt RNA splicing. Variants that disrupt the donor or acceptor splice site typically lead to a loss of protein function (PMID: 16199547), and loss-of-function variants in RECQL4 are known to be pathogenic (PMID: 12734318, 12952869). This variant is present in population databases (rs372380880, gnomAD 0.008%). Disruption of this splice site has been observed in individual(s) with endometrial cancer (PMID: 36744932, 37149903, 37886874). ClinVar contains an entry for this variant (Variation ID: 284397). Algorithms developed to predict the effect of sequence changes on RNA splicing suggest that this variant may disrupt the consensus splice site. In summary, the currently available evidence indicates that the variant is pathogenic, but additional data are needed to prove that conclusively. Therefore, this variant has been classified as Likely Pathogenic.

Eurofins Ntd Llc (ga)
Classification: Pathogenic. Last evaluated: 2015-11-20. Review status: criteria provided, single submitter. Criteria: EGL Classification Definitions 2015. Collection method: clinical testing. Allele origin: germline. Observed: 3 variant alleles, 3 heterozygotes.

Literature cited by the submitters: PubMed 16199547 (cited by Labcorp Genetics (formerly Invitae), Labcorp); PubMed 12734318 (cited by Labcorp Genetics (formerly Invitae), Labcorp); PubMed 12952869 (cited by Labcorp Genetics (formerly Invitae), Labcorp); PubMed 36744932 (cited by Labcorp Genetics (formerly Invitae), Labcorp); PubMed 37149903 (cited by Labcorp Genetics (formerly Invitae), Labcorp); PubMed 37886874 (cited by Labcorp Genetics (formerly Invitae), Labcorp).

NM_004260.4(RECQL4):c.1259-1G>A

Gene: RECQL4 (RecQ like helicase 4; minus strand). Cytogenetic location: 8q24.3.
Variant type: single nucleotide variant.
Coding change: c.1259-1G>A on transcript NM_004260.4 (MANE Select); the canonical splice acceptor site of the intron before coding-DNA position 1259, G replaced by A.
Molecular consequence: splice acceptor variant. On other transcripts: intron variant (5).
Genome position (GRCh38, 1-based): chr8:144,515,458, C>T on the plus strand (G>A on the coding strand, the complement: RECQL4 is on the minus strand). VCF-style: chr8-144515458-C-T. GRCh37 (hg19) VCF-style: chr8-145740842-C-T.
Other names: c.1130-1G>A (NM_001413025.1); c.908-1G>A (NM_001413029.1); c.126-5G>A (NM_001413032.1, NM_001413027.1, NM_001413031.1 and 2 more transcripts); c.188-1G>A (NM_001413035.1, NM_001413040.1, NM_001413021.1 and 8 more transcripts); c.1163-1G>A (NM_001413017.1, NM_001413020.1); c.1259-1G>A (NM_001413039.1, NM_001413033.1, NM_001413018.1 and 2 more transcripts); c.-209-1G>A (NM_001413043.1).
Identifiers: ClinVar variation 284397 (VCV000284397.11), dbSNP rs372380880, ClinGen allele CA4948930.